The following is an entry in ClinVar:

ClinVar aggregate classification (germline): Uncertain significance. Review status: reviewed by expert panel (3 of 4 stars). 4 submissions from 4 submitters: Uncertain significance (1). 3 of the submissions do not count toward it. Last evaluated 2024-09-25.

Conditions:
Hereditary thrombocytopenia and hematologic cancer predisposition syndrome. Identifiers: Orphanet 71290, MedGen CN281654, MONDO:0011071.
Inborn genetic diseases. Identifiers: MedGen C0950123, MeSH D030342.
Acute myeloid leukemia (AML). Also called: Leukemia, acute myeloid, somatic; Leukemia, acute myelogenous, somatic; Acute myeloid leukemia, adult; AML adult; Acute non-lymphocytic leukemia; Acute granulocytic leukemia. Identifiers: Orphanet 519, MedGen C0023467, MeSH D015470, MONDO:0018874, OMIM 601626, HP:0004808. Disease mechanism: Constitutively activated FLT3.
Hereditary thrombocytopenia and hematological cancer predisposition syndrome associated with RUNX1. Also called: Familial Platelet Disorder with Propensity to Acute Myelogenous Leukemia; Familial thrombocytopenia with propensity to acute myelogenous leukemia; PLATELET DISORDER, ASPIRIN-LIKE; RUNX1 Familial Platelet Disorder with Associated Myeloid Malignancies. Identifiers: Orphanet 71290, MedGen C1832388, MeSH C563324, MONDO:0100083, OMIM 601399.

Allele frequency attached by ClinVar (database versions not stated): gnomAD exomes below 0.00001; ExAC 0.00001.
gnomAD v4.1: 3 of 1,602,612 alleles (0.00019%); highest among the groups gnomAD compares: Non-Finnish European, 0.00017%; no homozygotes.

Submissions (4):

ClinGen Myeloid Malignancy Variant Curation Expert Panel
Classification: Uncertain significance for Hereditary thrombocytopenia and hematologic cancer predisposition syndrome. Last evaluated: 2024-09-25. Review status: reviewed by expert panel. Criteria: ClinGen MyeloMalig ACMG Specifications v2. Collection method: curation. Allele origin: germline. Inheritance: Autosomal dominant inheritance.
Comment: NM_001754.5(RUNX1):c.181C>T (p.Pro61Ser) is a missense variant which has a REVEL score < 0.50 (0.379) and a SpliceAI score ≤ 0.20 (0.01) (BP4). In summary, the clinical significance of this variant is uncertain. ACMG/AMP criteria applied, as specified by the Myeloid Malignancy Variant Curation Expert Panel for RUNX1: BP4.

Labcorp Genetics (formerly Invitae), Labcorp
Classification: Uncertain significance for Hereditary thrombocytopenia and hematological cancer predisposition syndrome associated with RUNX1. Last evaluated: 2025-06-17. Review status: criteria provided, single submitter. Criteria: Invitae Variant Classification Sherloc (09022015). Collection method: clinical testing. Allele origin: germline. Not counted in ClinVar's aggregate classification.
Comment: This sequence change replaces proline, which is neutral and non-polar, with serine, which is neutral and polar, at codon 61 of the RUNX1 protein (p.Pro61Ser). This variant is present in population databases (rs776929941, gnomAD 0.001%). This variant has not been reported in the literature in individuals affected with RUNX1-related conditions. ClinVar contains an entry for this variant (Variation ID: 1435320). Invitae Evidence Modeling of protein sequence and biophysical properties (such as structural, functional, and spatial information, amino acid conservation, physicochemical variation, residue mobility, and thermodynamic stability) has been performed for this missense variant. However, the output from this modeling did not meet the statistical confidence thresholds required to predict the impact of this variant on RUNX1 protein function. In summary, the available evidence is currently insufficient to determine the role of this variant in disease. Therefore, it has been classified as a Variant of Uncertain Significance.

Ambry Genetics
Classification: Uncertain significance for Inborn genetic diseases. Last evaluated: 2025-01-24. Review status: criteria provided, single submitter. Criteria: Ambry Variant Classification Scheme 2023. Collection method: clinical testing. Allele origin: germline. Not counted in ClinVar's aggregate classification.
Comment: The p.P61S variant (also known as c.181C>T), located in coding exon 3 of the RUNX1 gene, results from a C to T substitution at nucleotide position 181. The proline at codon 61 is replaced by serine, an amino acid with similar properties. This amino acid position is conserved. In addition, the in silico prediction for this alteration is inconclusive. Based on the available evidence, the clinical significance of this variant remains unclear.

Baylor Genetics
Classification: Uncertain significance for Acute myeloid leukemia. Last evaluated: 2023-11-11. Review status: criteria provided, single submitter. Criteria: ACMG Guidelines, 2015. Collection method: clinical testing. Allele origin: unknown. Not counted in ClinVar's aggregate classification.

NM_001754.5(RUNX1):c.181C>T (p.Pro61Ser)

Gene: RUNX1 (RUNX family transcription factor 1; minus strand). Cytogenetic location: 21q22.12.
Variant type: single nucleotide variant.
Coding change: c.181C>T on transcript NM_001754.5 (MANE Select); coding-DNA position 181, C replaced by T.
Protein change: p.Pro61Ser; replaces proline 61 with serine.
Molecular consequence: missense variant.
Genome position (GRCh38, 1-based): chr21:34,887,013, G>A on the plus strand (C>T on the coding strand, the complement: RUNX1 is on the minus strand). VCF-style: chr21-34887013-G-A. GRCh37 (hg19) VCF-style: chr21-36259310-G-A.
Other names: NM_001754.5(RUNX1):c.181C>T; p.Pro61Ser; c.100C>T, p.Pro34Ser (NM_001001890.3, NM_001122607.2); c.181C>T (NM_001754.4); short protein forms P61S, P34S.
Identifiers: ClinVar variation 1435320 (VCV001435320.9), dbSNP rs776929941, ClinGen allele CA10014574.